The following is an entry in ClinVar:

ClinVar aggregate classification (germline): Uncertain significance. Review status: criteria provided, multiple submitters, no conflicts (2 of 4 stars). 2 submissions from 2 submitters: Uncertain significance (2). Last evaluated 2025-03-05.

Conditions:
Inborn genetic diseases. Identifiers: MedGen C0950123, MeSH D030342.

gnomAD v4.1: 20 of 1,611,126 alleles (0.0012%); highest among the groups gnomAD compares: Admixed American, 0.0017%; no homozygotes.

Submissions (2):

Labcorp Genetics (formerly Invitae), Labcorp
Classification: Uncertain significance. Last evaluated: 2025-03-05. Review status: criteria provided, single submitter. Criteria: Invitae Variant Classification Sherloc (09022015). Collection method: clinical testing. Allele origin: germline.
Comment: This sequence change replaces valine, which is neutral and non-polar, with methionine, which is neutral and non-polar, at codon 184 of the POLR1A protein (p.Val184Met). This variant is present in population databases (rs374803213, gnomAD 0.003%). This variant has not been reported in the literature in individuals affected with POLR1A-related conditions. Invitae Evidence Modeling of protein sequence and biophysical properties (such as structural, functional, and spatial information, amino acid conservation, physicochemical variation, residue mobility, and thermodynamic stability) indicates that this missense variant is not expected to disrupt POLR1A protein function with a negative predictive value of 80%. In summary, the available evidence is currently insufficient to determine the role of this variant in disease. Therefore, it has been classified as a Variant of Uncertain Significance.

Ambry Genetics
Classification: Uncertain significance for Inborn genetic diseases. Last evaluated: 2025-02-13. Review status: criteria provided, single submitter. Criteria: Ambry Variant Classification Scheme 2023. Collection method: clinical testing. Allele origin: germline.

NM_015425.6(POLR1A):c.550G>A (p.Val184Met)

Gene: POLR1A (RNA polymerase I subunit A; minus strand). Cytogenetic location: 2p11.2.
Variant type: single nucleotide variant.
Coding change: c.550G>A on transcript NM_015425.6 (MANE Select); coding-DNA position 550, G replaced by A.
Protein change: p.Val184Met; replaces valine 184 with methionine.
Molecular consequence: missense variant.
Genome position (GRCh38, 1-based): chr2:86,088,861, C>T on the plus strand (G>A on the coding strand, the complement: POLR1A is on the minus strand). VCF-style: chr2-86088861-C-T. GRCh37 (hg19) VCF-style: chr2-86315984-C-T.
Other names: short protein forms V184M.
Identifiers: ClinVar variation 3781695 (VCV003781695.2).